The following is an entry in ClinVar:

NM_001039591.3(USP9X):c.323G>T (p.Gly108Val)

Gene: USP9X (ubiquitin specific peptidase 9 X-linked; plus strand). Cytogenetic location: Xp11.4.
Variant type: single nucleotide variant.
Coding change: c.323G>T on transcript NM_001039591.3 (MANE Select); coding-DNA position 323, G replaced by T.
Protein change: p.Gly108Val; replaces glycine 108 with valine.
Molecular consequence: missense variant.
Genome position (GRCh38, 1-based): chrX:41,134,725, G>T. VCF-style: chrX-41134725-G-T. GRCh37 (hg19) VCF-style: chrX-40993978-G-T.
Other names: NC_000023.10:g.40993978G>T; c.323G>T (NM_001039590.2); c.323G>T, p.Gly108Val (NM_001039590.3, NM_001410748.1, NM_001410749.1 and 1 more transcripts); short protein forms G108V.
Identifiers: ClinVar variation 4488667 (VCV004488667.2).

ClinVar aggregate classification (germline): Uncertain significance (1 of 4 stars; one submission).

Submissions (2):

GeneDx
Classification: Uncertain significance. Last evaluated: 2025-05-17. Review status: criteria provided, single submitter. Criteria: GeneDx Variant Classification Process June 2021. Collection method: clinical testing. Allele origin: germline. Affected: yes.
Comment: Not observed at significant frequency in large population cohorts (gnomAD); In silico analysis supports that this missense variant has a deleterious effect on protein structure/function; Has not been previously published as pathogenic or benign to our knowledge

Dr. Peter K. Rogan Lab, Western University
No classification provided (evidence only). Condition: Thyroid cancer, nonmedullary, 1. Review status: no classification provided. Collection method: in vitro. Allele origin: not applicable. Functional consequence: retained intron. Not counted in ClinVar's aggregate classification.